The following is an entry in ClinVar:

ClinVar aggregate classification (germline): Likely pathogenic (1 of 4 stars; one submission).

Conditions:
Tay-Sachs disease (TSD). Also called: GM2 gangliosidosis, type 1; Hexosaminidase alpha-subunit deficiency (variant B); Sphingolipidosis, Tay-Sachs; Hexosaminidase A Deficiency; HEXA DEFICIENCY; HEXA Disorders. Identifiers: Orphanet 845, MedGen C0039373, MONDO:0010100, OMIM 272800.

Submission:

Myriad Genetics, Inc.
Classification: Likely pathogenic for Tay-Sachs disease. Last evaluated: 2022-02-25. Review status: criteria provided, single submitter. Criteria: Myriad Women's Health Autosomal Recessive and X-Linked Classification Criteria (2021). Collection method: clinical testing. Allele origin: unknown.
Comment: NM_000520.4(HEXA):c.735C>A(Y245*) is expected to be pathogenic in the context of hexosaminidase A deficiency. This variant is predicted to lead to an abnormal or absent protein product due to the creation of a premature termination codon in HEXA, a gene where loss-of-function variants are known to be pathogenic. Please note: this variant was assessed in the context of healthy population screening.

NM_000520.6(HEXA):c.735C>A (p.Tyr245Ter)

Gene: HEXA (hexosaminidase subunit alpha; minus strand). Cytogenetic location: 15q23.
Variant type: single nucleotide variant.
Coding change: c.735C>A on transcript NM_000520.6 (MANE Select); coding-DNA position 735, C replaced by A.
Protein change: p.Tyr245Ter; replaces tyrosine 245 with a stop codon.
Molecular consequence: nonsense. On other transcripts: non-coding transcript variant (1).
Genome position (GRCh38, 1-based): chr15:72,350,588, G>T on the plus strand (C>A on the coding strand, the complement: HEXA is on the minus strand). VCF-style: chr15-72350588-G-T. GRCh37 (hg19) VCF-style: chr15-72642929-G-T.
Other names: c.768C>A, p.Tyr256Ter (NM_001318825.2); short protein forms Y245*, Y256*.
Identifiers: ClinVar variation 1724687 (VCV001724687.2), dbSNP rs777460475, ClinGen allele CA393063149.
Genomic context (GRCh38, chr15:72,350,588, plus strand): 5'-GGACAAAGTGTGGCCAGGAGTGTCAAACTCTGCAAGCACACGGATACCCCGGAGCCGTGC[G>T]TATTCAATGACCTCCTTCACATCCTGTGCTGTGTAGATGTGGGTGACAGGGTTGTAGGAC-3'